The following is an entry in ClinVar:

ClinVar aggregate classification (germline): Benign/Likely benign. Review status: criteria provided, multiple submitters, no conflicts (2 of 4 stars). 3 submissions from 3 submitters: Benign (1); Likely benign (2). Last evaluated 2025-11-17.

Conditions:
Hereditary cancer-predisposing syndrome. Also called: Neoplastic Syndromes, Hereditary; Hereditary Cancer Syndrome; Hereditary neoplastic syndrome; Tumor predisposition. Identifiers: Orphanet 140162, MedGen C0027672, MeSH D009386, MONDO:0015356.
Tuberous sclerosis 2 (TSC2). Identifiers: Orphanet 805, MedGen C1860707, MONDO:0013199, OMIM 613254.

Submissions (3):

Labcorp Genetics (formerly Invitae), Labcorp
Classification: Likely benign for Tuberous sclerosis 2. Last evaluated: 2025-11-17. Review status: criteria provided, single submitter. Criteria: Invitae Variant Classification Sherloc (09022015). Collection method: clinical testing. Allele origin: germline.

Ambry Genetics
Classification: Likely benign for Hereditary cancer-predisposing syndrome. Last evaluated: 2025-05-02. Review status: criteria provided, single submitter. Criteria: Ambry Variant Classification Scheme 2023. Collection method: clinical testing. Allele origin: germline.

Myriad Genetics, Inc.
Classification: Benign for Tuberous sclerosis 2. Last evaluated: 2025-05-02. Review status: criteria provided, single submitter. Criteria: Myriad Autosomal Dominant, Autosomal Recessive and X-Linked Classification Criteria (2023). Collection method: clinical testing. Allele origin: unknown.
Comment: This variant is considered benign. This variant is a silent/synonymous amino acid change and it is not expected to impact splicing.

NM_000548.5(TSC2):c.313C>T (p.Leu105=)

Gene: TSC2 (TSC complex subunit 2; plus strand). Cytogenetic location: 16p13.3.
Variant type: single nucleotide variant.
Coding change: c.313C>T on transcript NM_000548.5 (MANE Select); coding-DNA position 313, C replaced by T.
Protein change: p.Leu105=; no amino-acid change (leucine 105 retained).
Molecular consequence: synonymous variant. On other transcripts: 5 prime UTR variant (14), non-coding transcript variant (5), intron variant (9).
Genome position (GRCh38, 1-based): chr16:2,053,429, C>T. VCF-style: chr16-2053429-C-T. GRCh37 (hg19) VCF-style: chr16-2103430-C-T.
Other names: c.313C>T, p.Leu105= (NM_001077183.3, NM_001114382.3, NM_001363528.2 and 10 more transcripts); c.166C>T, p.Leu56= (NM_001318829.2, NM_001406675.1, NM_001406676.1 and 2 more transcripts); c.346C>T, p.Leu116= (NM_001318832.2); c.-504C>T (NM_001406680.1, NM_001406683.1, NM_001406687.1); c.-133C>T (NM_001406681.1); c.-1119C>T (NM_001406689.1, NM_001406690.1, NM_001406691.1 and 2 more transcripts); c.-1425C>T (NM_001406693.1); c.-1000C>T (NM_001406694.1, NM_001406695.1); and 4 more.
Identifiers: ClinVar variation 2186018 (VCV002186018.6), dbSNP rs2151028526, ClinGen allele CA492955261.